The following is an entry in ClinVar:

ClinVar aggregate classification (germline): Uncertain significance (1 of 4 stars; one submission).

Conditions:
Diffuse cerebral and cerebellar atrophy - intractable seizures - progressive microcephaly syndrome. Also called: Microcephaly, progressive, with seizures and cerebral and cerebellar atrophy. Identifiers: Orphanet 404437, MedGen C4014239, MONDO:0014335, OMIM 615760.

gnomAD v4.1: 10 of 1,612,664 alleles (0.00062%); highest among the groups gnomAD compares: Non-Finnish European, 0.00085%; no homozygotes.

Submission:

Labcorp Genetics (formerly Invitae), Labcorp
Classification: Uncertain significance for Diffuse cerebral and cerebellar atrophy - intractable seizures - progressive microcephaly syndrome. Last evaluated: 2022-05-15. Review status: criteria provided, single submitter. Criteria: Invitae Variant Classification Sherloc (09022015). Collection method: clinical testing. Allele origin: germline.
Comment: This sequence change replaces leucine, which is neutral and non-polar, with valine, which is neutral and non-polar, at codon 4 of the QARS protein (p.Leu4Val). This variant is present in population databases (no rsID available, gnomAD 0.0009%). This variant has not been reported in the literature in individuals affected with QARS-related conditions. Algorithms developed to predict the effect of missense changes on protein structure and function output the following: SIFT: "Tolerated"; PolyPhen-2: "Benign"; Align-GVGD: "Class C0". The valine amino acid residue is found in multiple mammalian species, which suggests that this missense change does not adversely affect protein function. In summary, the available evidence is currently insufficient to determine the role of this variant in disease. Therefore, it has been classified as a Variant of Uncertain Significance.

NM_005051.3(QARS1):c.10C>G (p.Leu4Val)

Gene: QARS1 (glutaminyl-tRNA synthetase 1; minus strand). Cytogenetic location: 3p21.31.
Variant type: single nucleotide variant.
Coding change: c.10C>G on transcript NM_005051.3 (MANE Select); coding-DNA position 10, C replaced by G.
Protein change: p.Leu4Val; replaces leucine 4 with valine.
Molecular consequence: missense variant. On other transcripts: non-coding transcript variant (1).
Genome position (GRCh38, 1-based): chr3:49,104,724, G>C on the plus strand (C>G on the coding strand, the complement: QARS1 is on the minus strand). VCF-style: chr3-49104724-G-C. GRCh37 (hg19) VCF-style: chr3-49142157-G-C.
Other names: c.10C>G, p.Leu4Val (NM_001272073.2); short protein forms L4V.
Identifiers: ClinVar variation 2151308 (VCV002151308.4), dbSNP rs768505058, ClinGen allele CA352724429.